The following is an entry in ClinVar:

NM_000632.4(ITGAM):c.802T>A (p.Tyr268Asn)

Genes: ITGAM (integrin subunit alpha M; plus strand), LOC126862332 (BRD4-independent group 4 enhancer GRCh37_chr16:31284654-31285853; plus strand). Cytogenetic location: 16p11.2.
Variant type: single nucleotide variant.
Coding change: c.802T>A on transcript NM_000632.4 (MANE Select); coding-DNA position 802, T replaced by A.
Protein change: p.Tyr268Asn; replaces tyrosine 268 with asparagine.
Molecular consequence: missense variant.
Genome position (GRCh38, 1-based): chr16:31,273,462, T>A. VCF-style: chr16-31273462-T-A. GRCh37 (hg19) VCF-style: chr16-31284783-T-A.
Other names: c.802T>A, p.Tyr268Asn (NM_001145808.2); c.802T>A (NM_000632.3); short protein forms Y268N.
Identifiers: ClinVar variation 1989171 (VCV001989171.5), dbSNP rs376840611, ClinGen allele CA280605002.

ClinVar aggregate classification (germline): Uncertain significance. Review status: criteria provided, multiple submitters, no conflicts (2 of 4 stars). 2 submissions from 2 submitters: Uncertain significance (2). Last evaluated 2024-04-04.

Allele frequency attached by ClinVar (database versions not stated): gnomAD exomes 0.00001; TOPMed 0.00002; ESP Exome Variant Server 0.00008.
gnomAD v4.1: 21 of 1,613,858 alleles (0.0013%); highest among the groups gnomAD compares: Non-Finnish European, 0.0016%; no homozygotes.

Submissions (2):

Ambry Genetics
Classification: Uncertain significance. Last evaluated: 2024-04-04. Review status: criteria provided, single submitter. Criteria: Ambry Variant Classification Scheme 2023. Collection method: clinical testing. Allele origin: germline.

Labcorp Genetics (formerly Invitae), Labcorp
Classification: Uncertain significance. Last evaluated: 2022-07-04. Review status: criteria provided, single submitter. Criteria: Invitae Variant Classification Sherloc (09022015). Collection method: clinical testing. Allele origin: germline.
Comment: In summary, the available evidence is currently insufficient to determine the role of this variant in disease. Therefore, it has been classified as a Variant of Uncertain Significance. Algorithms developed to predict the effect of missense changes on protein structure and function (SIFT, PolyPhen-2, Align-GVGD) all suggest that this variant is likely to be disruptive. This variant has not been reported in the literature in individuals affected with ITGAM-related conditions. This variant is present in population databases (rs376840611, gnomAD 0.0009%). This sequence change replaces tyrosine, which is neutral and polar, with asparagine, which is neutral and polar, at codon 268 of the ITGAM protein (p.Tyr268Asn).